The following is an entry in ClinVar:

ClinVar aggregate classification (germline): Conflicting classifications of pathogenicity. Review status: criteria provided, conflicting classifications (1 of 4 stars). 4 submissions from 4 submitters: Likely pathogenic (2); Uncertain significance (2). Last evaluated 2026-03-23.

Conditions:
UGT1A1-related disorder. Also called: UGT1A1-related disorders; UGT1A1-related condition.
BILIRUBIN, SERUM LEVEL OF, QUANTITATIVE TRAIT LOCUS 1 (BILIQTL1). Identifiers: MedGen C1866173, OMIM 601816.
Crigler-Najjar syndrome type 1. Also called: HYPERBILIRUBINEMIA, CRIGLER-NAJJAR TYPE I. Identifiers: Orphanet 79234, MedGen C0010324, MONDO:0021020, OMIM 218800.
Crigler-Najjar syndrome, type II. Also called: Crigler Najjar syndrome, type 2; Mutation in the UDP-glucuronosyl-transferase gene; HYPERBILIRUBINEMIA, CRIGLER-NAJJAR TYPE II. Identifiers: Orphanet 205, Orphanet 79235, MedGen C2931132, MONDO:0011725, OMIM 606785.
Lucey-Driscoll syndrome (HBLRTFN). Also called: Transient familial neonatal hyperbilirubinemia. Identifiers: Orphanet 2312, MedGen C0270210, MONDO:0009383, OMIM 237900.
Gilbert syndrome. Also called: HYPERBILIRUBINEMIA, GILBERT TYPE; HYPERBILIRUBINEMIA I; HYPERBILIRUBINEMIA, ARIAS TYPE; Gilbert Disease; Gilbert's syndrome. Identifiers: MedGen C0017551, MONDO:0007745, OMIM 143500.

gnomAD v4.1: 43 of 1,614,110 alleles (0.0027%); highest among the groups gnomAD compares: Non-Finnish European, 0.0014%; no homozygotes.

Submissions (4):

PreventionGenetics, part of Exact Sciences
Classification: Likely pathogenic for UGT1A1-related condition. Last evaluated: 2026-03-23. Review status: criteria provided, single submitter. Criteria: ACMG Guidelines, 2015. Collection method: clinical testing. Allele origin: germline.
Comment: The UGT1A1 c.864+5G>T variant is predicted to interfere with splicing. This variant has been reported in the compound heterozygous state in individuals with Crigler-Najjar syndrome 2, along with the A(TA)7TAA (c.-41_-40dupTA) variant that is expected to further impair expression of bilirubin UDP-glucuronosyltransferase 1 (Passuello et al. 2009. PubMed ID: 19752526; Gailite et al. 2018. PubMed ID: 30285761). Functional studies showed that the c.864+5G>T variant results in abnormal splicing and is likely to inactivate UGT1A1 (Gailite et al. 2020. PubMed ID: 32211025). This variant is reported in 0.036% of alleles in individuals of European (Finnish) descent in gnomAD. This variant is interpreted as likely pathogenic.

Labcorp Genetics (formerly Invitae), Labcorp
Classification: Uncertain significance. Last evaluated: 2025-10-10. Review status: criteria provided, single submitter. Criteria: Invitae Variant Classification Sherloc (09022015). Collection method: clinical testing. Allele origin: germline.
Comment: This sequence change falls in intron 1 of the UGT1A1 gene. It does not directly change the encoded amino acid sequence of the UGT1A1 protein. It affects a nucleotide within the consensus splice site. This variant is present in population databases (rs777807265, gnomAD 0.04%). This variant has been observed in individual(s) with Crigler-Najjar syndrome type I (PMID: 19752526). This variant is also known as IVS1+5G>T. ClinVar contains an entry for this variant (Variation ID: 3357567). Variants that disrupt the consensus splice site are a relatively common cause of aberrant splicing (PMID: 17576681, 9536098). Algorithms developed to predict the effect of sequence changes on RNA splicing suggest that this variant may disrupt the consensus splice site. In summary, the available evidence is currently insufficient to determine the role of this variant in disease. Therefore, it has been classified as a Variant of Uncertain Significance.

Blueprint Genetics
Classification: Uncertain significance. Last evaluated: 2024-11-04. Review status: criteria provided, single submitter. Criteria: ACMG Guidelines, 2015. Collection method: clinical testing. Allele origin: germline.

Fulgent Genetics
Classification: Likely pathogenic for Gilbert syndrome; Crigler-Najjar syndrome type 1; Lucey-Driscoll syndrome; BILIRUBIN, SERUM LEVEL OF, QUANTITATIVE TRAIT LOCUS 1; Crigler-Najjar syndrome, type II. Last evaluated: 2024-01-04. Review status: criteria provided, single submitter. Criteria: ACMG Guidelines, 2015. Collection method: clinical testing. Allele origin: germline.

Literature cited by the submitters: PubMed 19752526 (cited by Labcorp Genetics (formerly Invitae), Labcorp); PubMed 17576681 (cited by Labcorp Genetics (formerly Invitae), Labcorp); PubMed 9536098 (cited by Labcorp Genetics (formerly Invitae), Labcorp).

NM_000463.3(UGT1A1):c.864+5G>T

Genes: UGT1A (UDP glucuronosyltransferase family 1 member A complex locus; plus strand), UGT1A1 (UDP glucuronosyltransferase family 1 member A1; plus strand), UGT1A10 (UDP glucuronosyltransferase family 1 member A10; plus strand), UGT1A3 (UDP glucuronosyltransferase family 1 member A3; plus strand), UGT1A4 (UDP glucuronosyltransferase family 1 member A4; plus strand) and 5 more. Cytogenetic location: 2q37.1.
Variant type: single nucleotide variant.
Coding change: c.864+5G>T on transcript NM_000463.3 (MANE Select); 5 bases into the intron after coding-DNA position 864, G replaced by T.
Molecular consequence: intron variant.
Genome position (GRCh38, 1-based): chr2:233,761,156, G>T. VCF-style: chr2-233761156-G-T. GRCh37 (hg19) VCF-style: chr2-234669802-G-T.
Other names: c.856-5878G>T (NM_019076.5, NM_019075.4, NM_021027.3 and 1 more transcripts); c.61-5878G>T (NM_205862.3); c.862-5878G>T (NM_001072.4); c.868-5878G>T (NM_019078.2, NM_007120.3, NM_019093.4).
Identifiers: ClinVar variation 3357567 (VCV003357567.5).